The following is an entry in ClinVar:

ClinVar aggregate classification (germline): Conflicting classifications of pathogenicity. Review status: criteria provided, conflicting classifications (1 of 4 stars). 6 submissions from 6 submitters: Uncertain significance (3); Likely benign (2). 1 of the submissions does not count toward it. Last evaluated 2026-01-27.

Conditions:
RDH12-related disorder. Also called: RDH12-related disorders; RDH12-related condition.
Inborn genetic diseases. Identifiers: MedGen C0950123, MeSH D030342.
Leber congenital amaurosis 13 (LCA13). Identifiers: MedGen C2675186, MONDO:0012990, OMIM 612712.
Leber congenital amaurosis (LCA). Also called: Leber's amaurosis. Identifiers: Orphanet 65, MedGen C0339527, MeSH D057130, MONDO:0018998.
Retinitis pigmentosa (RP). Identifiers: Orphanet 791, MedGen C0035334, MeSH D012174, MONDO:0019200, OMIM 268000. Inheritance: Autosomal dominant, autosomal recessive and X linked inheritance.

Allele frequency attached by ClinVar (database versions not stated): gnomAD 0.00013 and 0.00014; gnomAD exomes 0.00013 and 0.00027; ExAC 0.00015; TOPMed 0.00016.
gnomAD v4.1: 218 of 1,612,798 alleles (0.014%); highest among the groups gnomAD compares: Middle Eastern, 0.017%; no homozygotes.

Submissions (6):

PreventionGenetics, part of Exact Sciences
Classification: Likely benign for RDH12-related condition. Last evaluated: 2026-01-27. Review status: criteria provided, single submitter. Criteria: ACMG Guidelines, 2015. Collection method: clinical testing. Allele origin: germline.
Comment: This variant is classified as likely benign based on ACMG/AMP sequence variant interpretation guidelines (Richards et al. 2015 PMID: 25741868, with internal and published modifications).

Labcorp Genetics (formerly Invitae), Labcorp
Classification: Likely benign for Leber congenital amaurosis 13. Last evaluated: 2026-01-20. Review status: criteria provided, single submitter. Criteria: Invitae Variant Classification Sherloc (09022015). Collection method: clinical testing. Allele origin: germline.

Blueprint Genetics
Classification: Uncertain significance. Last evaluated: 2024-05-07. Review status: criteria provided, single submitter. Criteria: ACMG Guidelines, 2015. Collection method: clinical testing. Allele origin: germline.

Ambry Genetics
Classification: Uncertain significance for Inborn genetic diseases. Last evaluated: 2021-08-12. Review status: criteria provided, single submitter. Criteria: Ambry Variant Classification Scheme 2023. Collection method: clinical testing. Allele origin: germline.

Illumina Laboratory Services, Illumina
Classification: Uncertain significance for Retinitis pigmentosa. Last evaluated: 2018-01-13. Review status: criteria provided, single submitter. Criteria: ICSL Variant Classification Criteria 13 December 2019. Collection method: clinical testing. Allele origin: germline.

Natera, Inc.
Classification: Uncertain significance for Leber congenital amaurosis. Last evaluated: 2020-04-17. Review status: no assertion criteria provided. Collection method: clinical testing. Allele origin: germline. Not counted in ClinVar's aggregate classification.

NM_152443.3(RDH12):c.662C>T (p.Thr221Ile)

Genes: GPHN (gephyrin; plus strand), RDH12 (retinol dehydrogenase 12; plus strand), ZFYVE26 (zinc finger FYVE-type containing 26; minus strand). Cytogenetic location: 14q24.1.
Variant type: single nucleotide variant.
Coding change: c.662C>T on transcript NM_152443.3 (MANE Select); coding-DNA position 662, C replaced by T.
Protein change: p.Thr221Ile; replaces threonine 221 with isoleucine.
Molecular consequence: missense variant.
Genome position (GRCh38, 1-based): chr14:67,729,194, C>T. VCF-style: chr14-67729194-C-T. GRCh37 (hg19) VCF-style: chr14-68195911-C-T.
Other names: short protein forms T221I.
Identifiers: ClinVar variation 313841 (VCV000313841.20), dbSNP rs769317754, ClinGen allele CA7238787.